The following is an entry in ClinVar:

ClinVar aggregate classification (germline): Uncertain significance. Review status: criteria provided, multiple submitters, no conflicts (2 of 4 stars). 3 submissions from 3 submitters: Uncertain significance (3). Last evaluated 2025-11-29.

Conditions:
Hereditary cancer-predisposing syndrome. Also called: Tumor predisposition; Hereditary Cancer Syndrome; Neoplastic Syndromes, Hereditary; Hereditary neoplastic syndrome. Identifiers: Orphanet 140162, MedGen C0027672, MeSH D009386, MONDO:0015356.
Familial adenomatous polyposis 1 (FAP1). Also called: FAMILIAL ADENOMATOUS POLYPOSIS 1, ATTENUATED; POLYPOSIS, ADENOMATOUS INTESTINAL. Identifiers: MedGen C2713442, MONDO:0021056, OMIM 175100. Disease mechanism: loss of function.

Allele frequency attached by ClinVar (database versions not stated): gnomAD 0.00001; gnomAD exomes below 0.00001; TOPMed below 0.00001.
gnomAD v4.1: 2 of 1,614,006 alleles (0.00012%); highest among the groups gnomAD compares: East Asian, 0.0022%; no homozygotes.

Submissions (3):

Ambry Genetics
Classification: Uncertain significance for Hereditary cancer-predisposing syndrome. Last evaluated: 2025-11-29. Review status: criteria provided, single submitter. Criteria: Ambry Variant Classification Scheme 2023. Collection method: clinical testing. Allele origin: germline.
Comment: The p.P950L variant (also known as c.2849C>T), located in coding exon 15 of the APC gene, results from a C to T substitution at nucleotide position 2849. The proline at codon 950 is replaced by leucine, an amino acid with similar properties. This amino acid position is highly conserved in available vertebrate species. In addition, in silico predictors for this gene do not accurately predict pathogenicity. Since supporting evidence is limited at this time, the clinical significance of this alteration remains unclear.

Baylor Genetics
Classification: Uncertain significance for Familial adenomatous polyposis 1. Last evaluated: 2023-11-08. Review status: criteria provided, single submitter. Criteria: ACMG Guidelines, 2015. Collection method: clinical testing. Allele origin: unknown.

Labcorp Genetics (formerly Invitae), Labcorp
Classification: Uncertain significance for Familial adenomatous polyposis 1. Last evaluated: 2023-08-23. Review status: criteria provided, single submitter. Criteria: Invitae Variant Classification Sherloc (09022015). Collection method: clinical testing. Allele origin: germline.
Comment: This sequence change replaces proline, which is neutral and non-polar, with leucine, which is neutral and non-polar, at codon 950 of the APC protein (p.Pro950Leu). This variant is present in population databases (no rsID available, gnomAD 0.006%). This variant has not been reported in the literature in individuals affected with APC-related conditions. ClinVar contains an entry for this variant (Variation ID: 821898). Advanced modeling of protein sequence and biophysical properties (such as structural, functional, and spatial information, amino acid conservation, physicochemical variation, residue mobility, and thermodynamic stability) performed at Invitae indicates that this missense variant is not expected to disrupt APC protein function. In summary, the available evidence is currently insufficient to determine the role of this variant in disease. Therefore, it has been classified as a Variant of Uncertain Significance.

NM_000038.6(APC):c.2849C>T (p.Pro950Leu)

Gene: APC (APC regulator of Wnt signaling pathway; plus strand). Cytogenetic location: 5q22.2.
Variant type: single nucleotide variant.
Coding change: c.2849C>T on transcript NM_000038.6 (MANE Select); coding-DNA position 2849, C replaced by T.
Protein change: p.Pro950Leu; replaces proline 950 with leucine.
Molecular consequence: missense variant.
Genome position (GRCh38, 1-based): chr5:112,838,443, C>T. VCF-style: chr5-112838443-C-T. GRCh37 (hg19) VCF-style: chr5-112174140-C-T.
Other names: c.2849C>T, p.Pro950Leu (NM_001127510.3, NM_001354895.2); c.2795C>T, p.Pro932Leu (NM_001127511.3); c.2903C>T, p.Pro968Leu (NM_001354896.2); c.2879C>T, p.Pro960Leu (NM_001354897.2); c.2774C>T, p.Pro925Leu (NM_001354898.2); c.2765C>T, p.Pro922Leu (NM_001354899.2); c.2726C>T, p.Pro909Leu (NM_001354900.2); c.2672C>T, p.Pro891Leu (NM_001354901.2); and 5 more; short protein forms P824L, P859L, P925L, P968L, P790L, P922L, P932L, P667L.
Identifiers: ClinVar variation 821898 (VCV000821898.11), dbSNP rs1373027479, ClinGen allele CA16027547.